The following is an entry in ClinVar:

NM_000463.3(UGT1A1):c.286G>A (p.Gly96Arg)

Genes: UGT1A (UDP glucuronosyltransferase family 1 member A complex locus; plus strand), UGT1A1 (UDP glucuronosyltransferase family 1 member A1; plus strand), UGT1A10 (UDP glucuronosyltransferase family 1 member A10; plus strand), UGT1A3 (UDP glucuronosyltransferase family 1 member A3; plus strand), UGT1A4 (UDP glucuronosyltransferase family 1 member A4; plus strand) and 5 more. Cytogenetic location: 2q37.1.
Variant type: single nucleotide variant.
Coding change: c.286G>A on transcript NM_000463.3 (MANE Select); coding-DNA position 286, G replaced by A.
Protein change: p.Gly96Arg; replaces glycine 96 with arginine.
Molecular consequence: missense variant. On other transcripts: intron variant (9).
Genome position (GRCh38, 1-based): chr2:233,760,573, G>A. VCF-style: chr2-233760573-G-A. GRCh37 (hg19) VCF-style: chr2-234669219-G-A.
Other names: c.856-6461G>A (NM_019076.5, NM_019075.4, NM_021027.3 and 1 more transcripts); c.61-6461G>A (NM_205862.3); c.862-6461G>A (NM_001072.4); c.868-6461G>A (NM_019078.2, NM_007120.3, NM_019093.4); short protein forms G96R.
Identifiers: ClinVar variation 2438474 (VCV002438474.4), dbSNP rs1208621089, ClinGen allele CA351066335.

ClinVar aggregate classification (germline): Uncertain significance. Review status: criteria provided, multiple submitters, no conflicts (2 of 4 stars). 2 submissions from 2 submitters: Uncertain significance (2). Last evaluated 2026-02-10.

Conditions:
UGT1A1-related disorder. Also called: UGT1A1-related condition; UGT1A1-related disorders.

Allele frequency attached by ClinVar (database versions not stated): TOPMed below 0.00001; gnomAD 0.00001.
gnomAD v4.1: 18 of 1,614,052 alleles (0.0011%); highest among the groups gnomAD compares: African/African-American, 0.0027%; no homozygotes.

Submissions (2):

PreventionGenetics, part of Exact Sciences
Classification: Uncertain significance for UGT1A1-related condition. Last evaluated: 2026-02-10. Review status: criteria provided, single submitter. Criteria: ACMG Guidelines, 2015. Collection method: clinical testing. Allele origin: germline.
Comment: The UGT1A1 c.286G>A variant is predicted to result in the amino acid substitution p.Gly96Arg. To our knowledge, this variant has not been reported in the literature. This variant is reported in 0.0040% of alleles in individuals of African descent in gnomAD. At this time, the clinical significance of this variant is uncertain due to the absence of conclusive functional and genetic evidence.

Revvity Omics, Revvity
Classification: Uncertain significance. Last evaluated: 2022-04-15. Review status: criteria provided, single submitter. Criteria: ACMG Guidelines, 2015. Collection method: clinical testing. Allele origin: germline.